The following is an entry in ClinVar:

ClinVar aggregate classification (germline): Uncertain significance (1 of 4 stars; one submission).

gnomAD v4.1: 3 of 1,613,524 alleles (0.00019%); highest among the groups gnomAD compares: African/African-American, 0.0027%; no homozygotes.

Submission:

Labcorp Genetics (formerly Invitae), Labcorp
Classification: Uncertain significance. Last evaluated: 2025-03-06. Review status: criteria provided, single submitter. Criteria: Invitae Variant Classification Sherloc (09022015). Collection method: clinical testing. Allele origin: germline.
Comment: This sequence change replaces lysine, which is basic and polar, with arginine, which is basic and polar, at codon 468 of the ERBIN protein (p.Lys468Arg). This variant is not present in population databases (gnomAD no frequency). This variant has not been reported in the literature in individuals affected with ERBIN-related conditions. An algorithm developed to predict the effect of missense changes on protein structure and function (PolyPhen-2) suggests that this variant is likely to be tolerated. In summary, the available evidence is currently insufficient to determine the role of this variant in disease. Therefore, it has been classified as a Variant of Uncertain Significance.

NM_001253697.2(ERBIN):c.1403A>G (p.Lys468Arg)

Gene: ERBIN (erbb2 interacting protein; plus strand). Cytogenetic location: 5q12.3.
Variant type: single nucleotide variant.
Coding change: c.1403A>G on transcript NM_001253697.2 (MANE Select); coding-DNA position 1403, A replaced by G.
Protein change: p.Lys468Arg; replaces lysine 468 with arginine.
Molecular consequence: missense variant.
Genome position (GRCh38, 1-based): chr5:66,043,173, A>G. VCF-style: chr5-66043173-A-G. GRCh37 (hg19) VCF-style: chr5-65339001-A-G.
Other names: c.1403A>G, p.Lys468Arg (NM_001006600.3, NM_001253698.2, NM_001253699.2 and 2 more transcripts); short protein forms K468R.
Identifiers: ClinVar variation 4771110 (VCV004771110.1).